The following is an entry in ClinVar:

ClinVar aggregate classification (germline): Likely benign. Review status: criteria provided, multiple submitters, no conflicts (2 of 4 stars). 3 submissions from 3 submitters: Likely benign (3). Last evaluated 2025-12-29.

Conditions:
Marfan syndrome (MFS). Also called: MARFAN SYNDROME, TYPE I; Marfan syndrome type 1; Marfan's syndrome; Marfan syndrome, classic; FBN1-Related Marfan Syndrome. Identifiers: Orphanet 284963, Orphanet 558, MedGen C0024796, MONDO:0007947, OMIM 154700.
Familial thoracic aortic aneurysm and aortic dissection (TAAD). Also called: Thoracic aortic aneurysms and dissections. Identifiers: Orphanet 91387, MedGen C4707243, MONDO:0019625.

Allele frequency attached by ClinVar (database versions not stated): TOPMed 0.00001; ExAC 0.00001; gnomAD 0.00001; gnomAD exomes 0.00001.
gnomAD v4.1: 15 of 1,612,850 alleles (0.00093%); highest among the groups gnomAD compares: Non-Finnish European, 0.0012%; no homozygotes.

Submissions (3):

Labcorp Genetics (formerly Invitae), Labcorp
Classification: Likely benign for Marfan syndrome; Familial thoracic aortic aneurysm and aortic dissection. Last evaluated: 2025-12-29. Review status: criteria provided, single submitter. Criteria: Invitae Variant Classification Sherloc (09022015). Collection method: clinical testing. Allele origin: germline.

All of Us Research Program, National Institutes of Health
Classification: Likely benign for Marfan syndrome. Last evaluated: 2024-03-14. Review status: criteria provided, single submitter. Criteria: ACMG Guidelines, 2015. Collection method: clinical testing. Allele origin: germline. Inheritance: Autosomal dominant inheritance. Observed: 2 variant alleles, 2 heterozygotes.
Comment: This study involves interpretation of variants in research participants for the purpose of population health screening. Participant phenotype was not available at the time of variant classification. Additional details can be found in publication PMID: 35346344, PMCID: PMC8962531

Color Diagnostics, LLC DBA Color Health
Classification: Likely benign for Familial thoracic aortic aneurysm and aortic dissection. Last evaluated: 2024-02-20. Review status: criteria provided, single submitter. Criteria: ACMG Guidelines, 2015. Collection method: clinical testing. Allele origin: germline.

NM_000138.5(FBN1):c.6617-12C>T

Gene: FBN1 (fibrillin 1; minus strand). Cytogenetic location: 15q21.1.
Variant type: single nucleotide variant.
Coding change: c.6617-12C>T on transcript NM_000138.5 (MANE Select); 12 bases into the intron before coding-DNA position 6617, C replaced by T.
Molecular consequence: intron variant.
Genome position (GRCh38, 1-based): chr15:48,433,000, G>A on the plus strand (C>T on the coding strand, the complement: FBN1 is on the minus strand). VCF-style: chr15-48433000-G-A. GRCh37 (hg19) VCF-style: chr15-48725197-G-A.
Other names: c.6617-12C>T (NM_001406716.1).
Identifiers: ClinVar variation 2947519 (VCV002947519.5), dbSNP rs749132226, ClinGen allele CA057118.